The following is an entry in ClinVar:

ClinVar aggregate classification (germline): Conflicting classifications of pathogenicity. Review status: criteria provided, conflicting classifications (1 of 4 stars). 3 submissions from 3 submitters: Uncertain significance (2); Likely benign (1). Last evaluated 2024-12-20.

Conditions:
Cardiovascular phenotype. Identifiers: MedGen CN230736.
Hereditary cancer-predisposing syndrome. Also called: Hereditary neoplastic syndrome; Neoplastic Syndromes, Hereditary; Tumor predisposition; Hereditary Cancer Syndrome. Identifiers: Orphanet 140162, MedGen C0027672, MeSH D009386, MONDO:0015356.
Neurofibromatosis, type 1 (NF1). Also called: VON RECKLINGHAUSEN DISEASE; Peripheral type neurofibromatosis; NEUROFIBROMATOSIS, TYPE I, SOMATIC; Neurofibromatosis, type I. Identifiers: Orphanet 636, MedGen C0027831, MONDO:0018975, OMIM 162200. Disease mechanism: loss of function.

Allele frequency attached by ClinVar (database versions not stated): gnomAD exomes below 0.00001.
gnomAD v4.1: 1 of 1,611,926 alleles (0.000062%); highest among the groups gnomAD compares: Non-Finnish European, 0.000085%; no homozygotes.

Submissions (3):

Ambry Genetics
Classification: Likely benign for Cardiovascular phenotype; Hereditary cancer-predisposing syndrome. Last evaluated: 2024-12-20. Review status: criteria provided, single submitter. Criteria: Ambry Variant Classification Scheme 2023. Collection method: clinical testing. Allele origin: germline.

Labcorp Genetics (formerly Invitae), Labcorp
Classification: Uncertain significance for Neurofibromatosis, type 1. Last evaluated: 2024-09-15. Review status: criteria provided, single submitter. Criteria: Invitae Variant Classification Sherloc (09022015). Collection method: clinical testing. Allele origin: germline.
Comment: This sequence change replaces threonine, which is neutral and polar, with alanine, which is neutral and non-polar, at codon 831 of the NF1 protein (p.Thr831Ala). This variant is not present in population databases (gnomAD no frequency). This variant has not been reported in the literature in individuals affected with NF1-related conditions. ClinVar contains an entry for this variant (Variation ID: 480134). Invitae Evidence Modeling of protein sequence and biophysical properties (such as structural, functional, and spatial information, amino acid conservation, physicochemical variation, residue mobility, and thermodynamic stability) indicates that this missense variant is not expected to disrupt NF1 protein function with a negative predictive value of 95%. In summary, the available evidence is currently insufficient to determine the role of this variant in disease. Therefore, it has been classified as a Variant of Uncertain Significance.

Genome-Nilou Lab
Classification: Uncertain significance for Neurofibromatosis, type 1. Last evaluated: 2022-03-15. Review status: criteria provided, single submitter. Criteria: ACMG Guidelines, 2015. Collection method: clinical testing. Allele origin: germline. Affected: no.

NM_001042492.3(NF1):c.2491A>G (p.Thr831Ala)

Gene: NF1 (neurofibromin 1; plus strand). Cytogenetic location: 17q11.2.
Variant type: single nucleotide variant.
Coding change: c.2491A>G on transcript NM_001042492.3 (MANE Select); coding-DNA position 2491, A replaced by G.
Protein change: p.Thr831Ala; replaces threonine 831 with alanine.
Molecular consequence: missense variant.
Genome position (GRCh38, 1-based): chr17:31,229,106, A>G. VCF-style: chr17-31229106-A-G. GRCh37 (hg19) VCF-style: chr17-29556124-A-G.
Other names: c.2491A>G, p.Thr831Ala (NM_000267.4); short protein forms T831A.
Identifiers: ClinVar variation 480134 (VCV000480134.12), dbSNP rs1555614204, ClinGen allele CA398984064.